The following is an entry in ClinVar:

ClinVar aggregate classification (germline): Likely benign. Review status: criteria provided, multiple submitters, no conflicts (2 of 4 stars). 3 submissions from 3 submitters: Likely benign (3). Last evaluated 2025-12-27.

Conditions:
Adams-Oliver syndrome 5 (AOS5). Identifiers: Orphanet 974, MedGen C4014970, MONDO:0014459, OMIM 616028.
Familial thoracic aortic aneurysm and aortic dissection (TAAD). Also called: Thoracic aortic aneurysms and dissections. Identifiers: Orphanet 91387, MedGen C4707243, MONDO:0019625.

Allele frequency attached by ClinVar (database versions not stated): ExAC below 0.00001; gnomAD 0.00001 and 0.00002; gnomAD exomes 0.00001 and 0.00002; TOPMed 0.00003.
gnomAD v4.1: 23 of 1,528,798 alleles (0.0015%); highest among the groups gnomAD compares: Non-Finnish European, 0.0019%; no homozygotes.

Submissions (3):

Labcorp Genetics (formerly Invitae), Labcorp
Classification: Likely benign for Adams-Oliver syndrome 5. Last evaluated: 2025-12-27. Review status: criteria provided, single submitter. Criteria: Invitae Variant Classification Sherloc (09022015). Collection method: clinical testing. Allele origin: germline.

Ambry Genetics
Classification: Likely benign for Familial thoracic aortic aneurysm and aortic dissection. Last evaluated: 2022-07-23. Review status: criteria provided, single submitter. Criteria: Ambry Variant Classification Scheme 2023. Collection method: clinical testing. Allele origin: germline.

GeneDx
Classification: Likely benign. Last evaluated: 2018-02-02. Review status: criteria provided, single submitter. Criteria: GeneDx Variant Classification (06012015). Collection method: clinical testing. Allele origin: germline. Affected: yes.
Comment: This variant is considered likely benign or benign based on one or more of the following criteria: it is a conservative change, it occurs at a poorly conserved position in the protein, it is predicted to be benign by multiple in silico algorithms, and/or has population frequency not consistent with disease.

NM_017617.5(NOTCH1):c.708G>A (p.Thr236=)

Gene: NOTCH1 (notch receptor 1; minus strand). Cytogenetic location: 9q34.3.
Variant type: single nucleotide variant.
Coding change: c.708G>A on transcript NM_017617.5 (MANE Select); coding-DNA position 708, G replaced by A.
Protein change: p.Thr236=; no amino-acid change (threonine 236 retained).
Molecular consequence: synonymous variant.
Genome position (GRCh38, 1-based): chr9:136,522,884, C>T on the plus strand (G>A on the coding strand, the complement: NOTCH1 is on the minus strand). VCF-style: chr9-136522884-C-T. GRCh37 (hg19) VCF-style: chr9-139417336-C-T.
Other names: c.708G>A, p.Thr236= (LRG_1122t1).
Identifiers: ClinVar variation 515068 (VCV000515068.12), dbSNP rs774679591, ClinGen allele CA5342098.
Genomic context (GRCh38, chr9:136,522,884, plus strand): 5'-GCACCCCGGCCAGCGGGCAGCACTACCTGGCAGGCAGGCACACTCGTGGGTGACGTCGCC[C>T]GTGGGGCGGCAGGTGCCCCCGTTCTGGCAGGGCGAGGGGCTGCAGGGCACGTAGGGCCGC-3'
Protein context (NP_060087.3, residues 226-246): PCQNGGTCRP[Thr236=]GDVTHECACL